The following is an entry in ClinVar:

NM_003002.4(SDHD):c.444C>A (p.Gly148=)

Gene: SDHD (succinate dehydrogenase complex subunit D; plus strand). Cytogenetic location: 11q23.1.
Variant type: single nucleotide variant.
Coding change: c.444C>A on transcript NM_003002.4 (MANE Select); coding-DNA position 444, C replaced by A.
Protein change: p.Gly148=; no amino-acid change (glycine 148 retained).
Molecular consequence: synonymous variant. On other transcripts: 3 prime UTR variant (2), non-coding transcript variant (1).
Genome position (GRCh38, 1-based): chr11:112,094,934, C>A. VCF-style: chr11-112094934-C-A. GRCh37 (hg19) VCF-style: chr11-111965658-C-A.
Other names: c.*41C>A (NM_001276503.2); c.327C>A, p.Gly109= (NM_001276504.2); c.*142C>A (NM_001276506.2).
Identifiers: ClinVar variation 3070443 (VCV003070443.2), dbSNP rs764099538, ClinGen allele CA071419.

ClinVar aggregate classification (germline): Benign/Likely benign. Review status: criteria provided, multiple submitters, no conflicts (2 of 4 stars). 2 submissions from 2 submitters: Benign (1); Likely benign (1). Last evaluated 2025-03-18.

Conditions:
Pheochromocytoma/paraganglioma syndrome 1. Also called: PARAGANGLIOMAS, FAMILIAL NONCHROMAFFIN, 1; PGL 1; Paragangliomas familial 1; PARAGANGLIOMATA; Paragangliomas 1; Glomus tumors familial 1. Identifiers: Orphanet 29072, MedGen C3494181, MONDO:0008192, OMIM 168000.
Hereditary pheochromocytoma and paraganglioma. Also called: Hereditary pheochromocytoma-paraganglioma; Hereditary Paraganglioma-Pheochromocytoma Syndromes; Hereditary paragangliomas and pheochromocytomas. Identifiers: Orphanet 29072, MedGen C4274332, MONDO:0017366.

Allele frequency attached by ClinVar (database versions not stated): gnomAD exomes below 0.00001; ExAC 0.00002.
gnomAD v4.1: 6 of 1,611,258 alleles (0.00037%); highest among the groups gnomAD compares: Non-Finnish European, 0.00051%; no homozygotes.

Submissions (2):

Myriad Genetics, Inc.
Classification: Benign for Pheochromocytoma/paraganglioma syndrome 1. Last evaluated: 2025-03-18. Review status: criteria provided, single submitter. Criteria: Myriad Autosomal Dominant, Autosomal Recessive and X-Linked Classification Criteria (2023). Collection method: clinical testing. Allele origin: unknown.
Comment: This variant is considered benign. This variant is a silent/synonymous amino acid change and it is not expected to impact splicing.

All of Us Research Program, National Institutes of Health
Classification: Likely benign for Hereditary pheochromocytoma and paraganglioma. Last evaluated: 2023-04-10. Review status: criteria provided, single submitter. Criteria: ACMG Guidelines, 2015. Collection method: clinical testing. Allele origin: germline. Inheritance: Autosomal dominant inheritance. Observed: 1 variant allele, 1 heterozygote.
Comment: This study involves interpretation of variants in research participants for the purpose of population health screening. Participant phenotype was not available at the time of variant classification. Additional details can be found in publication PMID: 35346344, PMCID: PMC8962531